The following is an entry in ClinVar:

ClinVar aggregate classification (germline): Uncertain significance (1 of 4 stars; one submission).

Conditions:
CAPN12-related disorder. Also called: CAPN12-related condition.

Submission:

PreventionGenetics, part of Exact Sciences
Classification: Uncertain significance for CAPN12-related condition. Last evaluated: 2023-07-05. Review status: criteria provided, single submitter. Criteria: ACMG Guidelines, 2015. Collection method: clinical testing. Allele origin: germline.
Comment: The CAPN12 c.1627-6C>A variant is predicted to interfere with splicing. To our knowledge, this variant has not been reported in the literature or in a large population database, indicating this variant is rare. At this time, the clinical significance of this variant is uncertain due to the absence of conclusive functional and genetic evidence.

NM_144691.4(CAPN12):c.1627-6C>A

Gene: CAPN12 (calpain 12; minus strand). Cytogenetic location: 19q13.2.
Variant type: single nucleotide variant.
Coding change: c.1627-6C>A on transcript NM_144691.4 (MANE Select); 6 bases into the intron before coding-DNA position 1627, C replaced by A.
Molecular consequence: intron variant.
Genome position (GRCh38, 1-based): chr19:38,735,435, G>T on the plus strand (C>A on the coding strand, the complement: CAPN12 is on the minus strand). VCF-style: chr19-38735435-G-T. GRCh37 (hg19) VCF-style: chr19-39226075-G-T.
Identifiers: ClinVar variation 2632245 (VCV002632245.1), dbSNP rs183138120, ClinGen allele CA308132136.